The following is an entry in ClinVar:

ClinVar aggregate classification (germline): Uncertain significance (1 of 4 stars; one submission).

Submission:

Labcorp Genetics (formerly Invitae), Labcorp
Classification: Uncertain significance. Last evaluated: 2021-04-10. Review status: criteria provided, single submitter. Criteria: Invitae Variant Classification Sherloc (09022015). Collection method: clinical testing. Allele origin: germline.
Comment: In summary, the available evidence is currently insufficient to determine the role of this variant in disease. Therefore, it has been classified as a Variant of Uncertain Significance. Algorithms developed to predict the effect of missense changes on protein structure and function (SIFT, PolyPhen-2, Align-GVGD) all suggest that this variant is likely to be disruptive, but these predictions have not been confirmed by published functional studies and their clinical significance is uncertain. This variant has not been reported in the literature in individuals with IL12RB2-related conditions. This variant is not present in population databases (ExAC no frequency). This sequence change replaces glycine with arginine at codon 514 of the IL12RB2 protein (p.Gly514Arg). The glycine residue is highly conserved and there is a moderate physicochemical difference between glycine and arginine.

NM_001374259.2(IL12RB2):c.1540G>C (p.Gly514Arg)

Gene: IL12RB2 (interleukin 12 receptor subunit beta 2; plus strand). Cytogenetic location: 1p31.3.
Variant type: single nucleotide variant.
Coding change: c.1540G>C on transcript NM_001374259.2 (MANE Select); coding-DNA position 1540, G replaced by C.
Protein change: p.Gly514Arg; replaces glycine 514 with arginine.
Molecular consequence: missense variant. On other transcripts: non-coding transcript variant (2), intron variant (1).
Genome position (GRCh38, 1-based): chr1:67,372,516, G>C. VCF-style: chr1-67372516-G-C. GRCh37 (hg19) VCF-style: chr1-67838199-G-C.
Other names: c.1540G>C, p.Gly514Arg (NM_001258214.1, NM_001258216.1, NM_001319233.1 and 1 more transcripts); c.1459+4491G>C (NM_001258215.1); short protein forms G514R.
Identifiers: ClinVar variation 1482913 (VCV001482913.8), dbSNP rs752564970, ClinGen allele CA340729302.